The following is an entry in ClinVar:

ClinVar aggregate classification (germline): Uncertain significance. Review status: criteria provided, multiple submitters, no conflicts (2 of 4 stars). 2 submissions from 2 submitters: Uncertain significance (2). Last evaluated 2023-09-25.

Allele frequency attached by ClinVar (database versions not stated): gnomAD 0.00001; TOPMed 0.00003.
gnomAD v4.1: 198 of 1,613,924 alleles (0.012%); highest among the groups gnomAD compares: Non-Finnish European, 0.016%; no homozygotes.

Submissions (2):

Ambry Genetics
Classification: Uncertain significance. Last evaluated: 2023-09-25. Review status: criteria provided, single submitter. Criteria: Ambry Variant Classification Scheme 2023. Collection method: clinical testing. Allele origin: germline.

Labcorp Genetics (formerly Invitae), Labcorp
Classification: Uncertain significance. Last evaluated: 2021-10-18. Review status: criteria provided, single submitter. Criteria: Invitae Variant Classification Sherloc (09022015). Collection method: clinical testing. Allele origin: germline.
Comment: In summary, the available evidence is currently insufficient to determine the role of this variant in disease. Therefore, it has been classified as a Variant of Uncertain Significance. Algorithms developed to predict the effect of missense changes on protein structure and function are either unavailable or do not agree on the potential impact of this missense change (SIFT: "Deleterious"; PolyPhen-2: "Probably Damaging"; Align-GVGD: "Class C15"). This variant has not been reported in the literature in individuals affected with RPS6KC1-related conditions. This variant is present in population databases (rs755598192, ExAC 0.01%). This sequence change replaces arginine with cysteine at codon 223 of the RPS6KC1 protein (p.Arg223Cys). The arginine residue is moderately conserved and there is a large physicochemical difference between arginine and cysteine.

NM_012424.6(RPS6KC1):c.667C>T (p.Arg223Cys)

Gene: RPS6KC1 (ribosomal protein S6 kinase C1; plus strand). Cytogenetic location: 1q32.3.
Variant type: single nucleotide variant.
Coding change: c.667C>T on transcript NM_012424.6 (MANE Select); coding-DNA position 667, C replaced by T.
Protein change: p.Arg223Cys; replaces arginine 223 with cysteine.
Molecular consequence: missense variant. On other transcripts: 5 prime UTR variant (13), non-coding transcript variant (3), intron variant (5).
Genome position (GRCh38, 1-based): chr1:213,129,721, C>T. VCF-style: chr1-213129721-C-T. GRCh37 (hg19) VCF-style: chr1-213303064-C-T.
Other names: c.667C>T (NM_012424.3); c.124C>T, p.Arg42Cys (NM_001349654.2, NM_001287218.3, NM_001287219.3 and 7 more transcripts); c.-621C>T (NM_001349659.2); c.-541C>T (NM_001349660.2, NM_001349661.2, NM_001349662.2); c.-455C>T (NM_001349664.2, NM_001349670.2); c.-548C>T (NM_001349666.2, NM_001349667.2, NM_001349668.2 and 4 more transcripts); c.-57+12311C>T (NM_001349658.2); c.472+12311C>T (NM_001349647.2); and 5 more; short protein forms R211C, R223C, R42C.
Identifiers: ClinVar variation 1492911 (VCV001492911.7), dbSNP rs755598192, ClinGen allele CA1387232.